The following is an entry in ClinVar:

NM_031844.3(HNRNPU):c.564C>G (p.Ser188Arg)

Gene: HNRNPU (heterogeneous nuclear ribonucleoprotein U; minus strand). Cytogenetic location: 1q44.
Variant type: single nucleotide variant.
Coding change: c.564C>G on transcript NM_031844.3 (MANE Select); coding-DNA position 564, C replaced by G.
Protein change: p.Ser188Arg; replaces serine 188 with arginine.
Molecular consequence: missense variant.
Genome position (GRCh38, 1-based): chr1:244,863,744, G>C on the plus strand (C>G on the coding strand, the complement: HNRNPU is on the minus strand). VCF-style: chr1-244863744-G-C. GRCh37 (hg19) VCF-style: chr1-245027046-G-C.
Other names: c.564C>G, p.Ser188Arg (NM_004501.3); short protein forms S188R.
Identifiers: ClinVar variation 1410948 (VCV001410948.8), dbSNP rs2102990549, ClinGen allele CA345496527.

ClinVar aggregate classification (germline): Uncertain significance (1 of 4 stars; one submission).

Conditions:
Developmental and epileptic encephalopathy, 54. Also called: HNRNPU-Related Neurodevelopmental Disorder; Epileptic encephalopathy, early infantile, 54. Identifiers: MedGen C4479319, MONDO:0033363, OMIM 617391.

Submission:

Labcorp Genetics (formerly Invitae), Labcorp
Classification: Uncertain significance for Developmental and epileptic encephalopathy, 54. Last evaluated: 2024-08-12. Review status: criteria provided, single submitter. Criteria: Invitae Variant Classification Sherloc (09022015). Collection method: clinical testing. Allele origin: germline.
Comment: This sequence change replaces serine, which is neutral and polar, with arginine, which is basic and polar, at codon 188 of the HNRNPU protein (p.Ser188Arg). This variant is not present in population databases (gnomAD no frequency). This variant has not been reported in the literature in individuals affected with HNRNPU-related conditions. ClinVar contains an entry for this variant (Variation ID: 1410948). Advanced modeling of protein sequence and biophysical properties (such as structural, functional, and spatial information, amino acid conservation, physicochemical variation, residue mobility, and thermodynamic stability) performed at Invitae indicates that this missense variant is not expected to disrupt HNRNPU protein function with a negative predictive value of 80%. In summary, the available evidence is currently insufficient to determine the role of this variant in disease. Therefore, it has been classified as a Variant of Uncertain Significance.